The following is an entry in ClinVar:

ClinVar aggregate classification (germline): Pathogenic. Review status: criteria provided, multiple submitters, no conflicts (2 of 4 stars). 2 submissions from 2 submitters: Pathogenic (2). Last evaluated 2023-09-11.

Conditions:
Long QT syndrome 2 (LQT2). Identifiers: Orphanet 101016, Orphanet 768, MedGen C3150943, MONDO:0013367, OMIM 613688.
Long QT syndrome (LQTS). Identifiers: MedGen C0023976, MeSH D008133, MONDO:0002442. Disease mechanism: loss of function. Inheritance: Various modes of inheritance.

Submissions (2):

KardioGenetik, Herz- und Diabeteszentrum NRW
Classification: Pathogenic for Long QT syndrome 2. Last evaluated: 2023-09-11. Review status: criteria provided, single submitter. Criteria: ACMG Guidelines, 2015. Collection method: clinical testing. Allele origin: maternal. Affected: yes. Observed: 2 variant alleles.

Labcorp Genetics (formerly Invitae), Labcorp
Classification: Pathogenic for Long QT syndrome. Last evaluated: 2022-10-26. Review status: criteria provided, single submitter. Criteria: Invitae Variant Classification Sherloc (09022015). Collection method: clinical testing. Allele origin: germline.
Comment: For these reasons, this variant has been classified as Pathogenic. This premature translational stop signal has been observed in individual(s) with long QT syndrome (PMID: 23351921). This variant is not present in population databases (gnomAD no frequency). This sequence change creates a premature translational stop signal (p.Glu177*) in the KCNH2 gene. It is expected to result in an absent or disrupted protein product. Loss-of-function variants in KCNH2 are known to be pathogenic (PMID: 10973849, 19862833).

Literature cited by the submitters: PubMed 23351921 (cited by Labcorp Genetics (formerly Invitae), Labcorp); PubMed 10973849 (cited by Labcorp Genetics (formerly Invitae), Labcorp); PubMed 19862833 (cited by Labcorp Genetics (formerly Invitae), Labcorp).

NM_000238.4(KCNH2):c.529G>T (p.Glu177Ter)

Gene: KCNH2 (potassium voltage-gated channel subfamily H member 2; minus strand). Cytogenetic location: 7q36.1.
Variant type: single nucleotide variant.
Coding change: c.529G>T on transcript NM_000238.4 (MANE Select); coding-DNA position 529, G replaced by T.
Protein change: p.Glu177Ter; replaces glutamic acid 177 with a stop codon.
Molecular consequence: nonsense.
Genome position (GRCh38, 1-based): chr7:150,958,446, C>A on the plus strand (G>T on the coding strand, the complement: KCNH2 is on the minus strand). VCF-style: chr7-150958446-C-A. GRCh37 (hg19) VCF-style: chr7-150655534-C-A.
Other names: c.241G>T, p.Glu81Ter (NM_001406753.1, NM_001406756.1); c.352G>T, p.Glu118Ter (NM_001406755.1); c.229G>T, p.Glu77Ter (NM_001406757.1); c.529G>T, p.Glu177Ter (NM_172056.3); short protein forms E177*, E81*, E77*, E118*.
Identifiers: ClinVar variation 2136630 (VCV002136630.5), dbSNP rs2486094630, ClinGen allele CA369863421.